The following is an entry in ClinVar:

NM_024589.3(ROGDI):c.329_336+5del

Gene: ROGDI (rogdi atypical leucine zipper; minus strand). Cytogenetic location: 16p13.3.
Variant type: Deletion.
Coding change: c.329_336+5del on transcript NM_024589.3 (MANE Select); coding-DNA position 329 through 5 bases into the intron after coding-DNA position 336, 13 bases deleted (TGCAGCAGGTGAC).
Molecular consequence: splice donor variant.
Genome position (GRCh38, 1-based): chr16:4,800,493-4,800,505, GTCACCTGCTGCA deleted on the plus strand (TGCAGCAGGTGAC on the coding strand, the reverse complement: ROGDI is on the minus strand); deleting any 13 consecutive bases within chr16:4,800,493-4,800,506 gives the same sequence; the c. name uses the placement nearest the transcript's 3' end. VCF-style (leftmost placement, unchanged base first): chr16-4800492-GGTCACCTGCTGCA-G. GRCh37 (hg19) VCF-style: chr16-4850493-GGTCACCTGCTGCA-G.
Identifiers: ClinVar variation 967389 (VCV000967389.7), dbSNP rs2082701593, ClinGen allele CA1139664482.

ClinVar aggregate classification (germline): Likely pathogenic (1 of 4 stars; one submission).

Conditions:
Amelocerebrohypohidrotic syndrome (KTZS). Also called: EPILEPSY AND YELLOW TEETH; EPILEPSY, DEMENTIA, AND AMELOGENESIS IMPERFECTA; KOHLSCHUTTER SYNDROME; Kohlschutter's syndrome. Identifiers: Orphanet 1946, MedGen C0406740, MONDO:0009185, OMIM 226750.

Submission:

Labcorp Genetics (formerly Invitae), Labcorp
Classification: Likely pathogenic for Amelocerebrohypohidrotic syndrome. Last evaluated: 2024-06-24. Review status: criteria provided, single submitter. Criteria: Invitae Variant Classification Sherloc (09022015). Collection method: clinical testing. Allele origin: germline.
Comment: This variant results in the deletion of part of exon 5 (c.329_336+5del) of the ROGDI gene. It is expected to disrupt RNA splicing. Variants that disrupt the donor or acceptor splice site typically lead to a loss of protein function (PMID: 16199547), and loss-of-function variants in ROGDI are known to be pathogenic (PMID: 22424600, 23086778). This variant is not present in population databases (gnomAD no frequency). This variant has not been reported in the literature in individuals affected with ROGDI-related conditions. ClinVar contains an entry for this variant (Variation ID: 967389). In summary, the currently available evidence indicates that the variant is pathogenic, but additional data are needed to prove that conclusively. Therefore, this variant has been classified as Likely Pathogenic.

Literature cited by the submitters: PubMed 16199547; PubMed 22424600; PubMed 23086778.